The following is an entry in ClinVar:

NM_213720.3(CHCHD10):c.364T>C (p.Cys122Arg)

Gene: CHCHD10 (coiled-coil-helix-coiled-coil-helix domain containing 10; minus strand). Cytogenetic location: 22q11.23.
Variant type: single nucleotide variant.
Coding change: c.364T>C on transcript NM_213720.3 (MANE Select); coding-DNA position 364, T replaced by C.
Protein change: p.Cys122Arg; replaces cysteine 122 with arginine.
Molecular consequence: missense variant. On other transcripts: non-coding transcript variant (2).
Genome position (GRCh38, 1-based): chr22:23,766,173, A>G on the plus strand (T>C on the coding strand, the complement: CHCHD10 is on the minus strand). VCF-style: chr22-23766173-A-G. GRCh37 (hg19) VCF-style: chr22-24108360-A-G.
Other names: c.385T>C, p.Cys129Arg (NM_001301339.2); short protein forms C129R, C122R.
Identifiers: ClinVar variation 2944997 (VCV002944997.3), dbSNP rs763453989, ClinGen allele CA10145253.
Genomic context (GRCh38, chr22:23,766,173, plus strand): 5'-GGTCCACTCACTCACCATGGTAGTACTTGCACTGCTTCAGGGCCTCGCTGAAGCCCTCAC[A>G]CAGGGACAGGTCACTCTGAGTGGTGGAACAGTCCAGGAACTGCCTGATCTCGTAGGCGCA-3'
Protein context (NP_998885.1, residues 112-132): CSTTQSDLSL[Cys122Arg]EGFSEALKQC

ClinVar aggregate classification (germline): Uncertain significance (1 of 4 stars; one submission).

Conditions:
Lower motor neuron syndrome with late-adult onset (SMAJ). Also called: Spinal muscular atrophy, Jokela type; Late-Onset Spinal Motor Neuronopathy (SMAJ). Identifiers: Orphanet 276435, MedGen C3554398, MONDO:0014025, OMIM 615048.
Autosomal dominant mitochondrial myopathy with exercise intolerance (IMMD). Also called: Myopathy, isolated mitochondrial, autosomal dominant. Identifiers: Orphanet 457050, MedGen C4015513, MONDO:0014532, OMIM 616209.
Frontotemporal dementia and/or amyotrophic lateral sclerosis 2. Also called: FTDALS2. Identifiers: Orphanet 275872, MedGen C4014648, MONDO:0014395, OMIM 615911.

Allele frequency attached by ClinVar (database versions not stated): ExAC 0.00003; gnomAD 0.00001; TOPMed 0.00001; gnomAD exomes 0.00002.
gnomAD v4.1: 12 of 1,602,950 alleles (0.00075%); highest among the groups gnomAD compares: Non-Finnish European, 0.00085%; no homozygotes.

Submission:

Labcorp Genetics (formerly Invitae), Labcorp
Classification: Uncertain significance for Lower motor neuron syndrome with late-adult onset; Frontotemporal dementia and/or amyotrophic lateral sclerosis 2; Autosomal dominant mitochondrial myopathy with exercise intolerance. Last evaluated: 2023-03-26. Review status: criteria provided, single submitter. Criteria: Invitae Variant Classification Sherloc (09022015). Collection method: clinical testing. Allele origin: germline.
Comment: This sequence change replaces cysteine, which is neutral and slightly polar, with arginine, which is basic and polar, at codon 122 of the CHCHD10 protein (p.Cys122Arg). This variant is present in population databases (rs763453989, gnomAD 0.003%). In summary, the available evidence is currently insufficient to determine the role of this variant in disease. Therefore, it has been classified as a Variant of Uncertain Significance. Experimental studies have shown that this missense change affects CHCHD10 function (PMID: 29789341). An algorithm developed to predict the effect of missense changes on protein structure and function (PolyPhen-2) suggests that this variant is likely to be disruptive. This missense change has been observed in individual(s) with amyotrophic lateral sclerosis (PMID: 29789341).

Literature cited by the submitters: PubMed 29789341.